The following is an entry in ClinVar:

ClinVar aggregate classification (germline): Uncertain significance (1 of 4 stars; one submission).

Conditions:
Melanoma, cutaneous malignant, susceptibility to, 8. Also called: MELANOMA AND RENAL CELL CARCINOMA, SUSCEPTIBILITY TO; Cutaneous malignant melanoma 8. Identifiers: Orphanet 293822, MedGen C3152204, MONDO:0013759, OMIM 614456.
Tietz syndrome (TADS). Also called: ALBINISM-DEAFNESS OF TIETZ; HYPOPIGMENTATION/DEAFNESS OF TIETZ; TIETZ ALBINISM-DEAFNESS SYNDROME. Identifiers: Orphanet 42665, MedGen C0391816, MONDO:0007077, OMIM 103500.
Waardenburg syndrome type 2A (WS2A). Also called: WAARDENBURG SYNDROME WITHOUT DYSTOPIA CANTHORUM. Identifiers: Orphanet 3440, MedGen C1860339, MONDO:0008671, OMIM 193510.

Submission:

Labcorp Genetics (formerly Invitae), Labcorp
Classification: Uncertain significance for Melanoma, cutaneous malignant, susceptibility to, 8; Waardenburg syndrome type 2A; Tietz syndrome. Last evaluated: 2024-11-15. Review status: criteria provided, single submitter. Criteria: Invitae Variant Classification Sherloc (09022015). Collection method: clinical testing. Allele origin: germline.
Comment: This sequence change replaces histidine, which is basic and polar, with leucine, which is neutral and non-polar, at codon 276 of the MITF protein (p.His276Leu). This variant is not present in population databases (gnomAD no frequency). This variant has not been reported in the literature in individuals affected with MITF-related conditions. Invitae Evidence Modeling of protein sequence and biophysical properties (such as structural, functional, and spatial information, amino acid conservation, physicochemical variation, residue mobility, and thermodynamic stability) indicates that this missense variant is not expected to disrupt MITF protein function with a negative predictive value of 80%. In summary, the available evidence is currently insufficient to determine the role of this variant in disease. Therefore, it has been classified as a Variant of Uncertain Significance.

NM_001354604.2(MITF):c.1148A>T (p.His383Leu)

Gene: MITF (melanocyte inducing transcription factor; plus strand). Cytogenetic location: 3p13.
Variant type: single nucleotide variant.
Coding change: c.1148A>T on transcript NM_001354604.2 (MANE Select); coding-DNA position 1148, A replaced by T.
Protein change: p.His383Leu; replaces histidine 383 with leucine.
Molecular consequence: missense variant.
Genome position (GRCh38, 1-based): chr3:69,959,389, A>T. VCF-style: chr3-69959389-A-T. GRCh37 (hg19) VCF-style: chr3-70008540-A-T.
Other names: c.827A>T, p.His276Leu (NM_000248.4); c.974A>T, p.His325Leu (NM_001184967.2, NM_001354608.2); c.1145A>T, p.His382Leu (NM_001354605.2); c.1127A>T, p.His376Leu (NM_001354606.2, NM_006722.3); c.1079A>T, p.His360Leu (NM_001354607.2); c.809A>T, p.His270Leu (NM_198158.3); c.1130A>T, p.His377Leu (NM_198159.3); c.1082A>T, p.His361Leu (NM_198177.3); and 1 more; short protein forms H214L, H270L, H276L, H325L, H360L, H361L, H376L, H377L.
Identifiers: ClinVar variation 3758002 (VCV003758002.2).
Genomic context (GRCh38, chr3:69,959,389, plus strand): 5'-AGTTGCAACGAGAACAGCAACGCGCAAAAGAACTTGAAAACCGACAGAAGAAACTGGAGC[A>T]CGCCAACCGGCATTTGTTGCTCAGAATACAGGTACGCAGCCTGAGTTGTGTAAAGTTTAC-3'
Protein context (NP_001341533.1, residues 373-393): ELENRQKKLE[His383Leu]ANRHLLLRIQ